The following is an entry in ClinVar:

NM_001130144.3(LTBP3):c.3135C>A (p.Asn1045Lys)

Genes: LTBP3 (latent transforming growth factor beta binding protein 3; minus strand), LOC121832793 (Sharpr-MPRA regulatory region 4001; plus strand). Cytogenetic location: 11q13.1.
Variant type: single nucleotide variant.
Coding change: c.3135C>A on transcript NM_001130144.3 (MANE Select); coding-DNA position 3135, C replaced by A.
Protein change: p.Asn1045Lys; replaces asparagine 1045 with lysine.
Molecular consequence: missense variant.
Genome position (GRCh38, 1-based): chr11:65,540,354, G>T on the plus strand (C>A on the coding strand, the complement: LTBP3 is on the minus strand). VCF-style: chr11-65540354-G-T. GRCh37 (hg19) VCF-style: chr11-65307825-G-T.
Other names: c.2784C>A, p.Asn928Lys (NM_001164266.1); c.3135C>A, p.Asn1045Lys (NM_021070.4); short protein forms N1045K, N928K.
Identifiers: ClinVar variation 1356190 (VCV001356190.11), dbSNP rs764995512, ClinGen allele CA6100322.

ClinVar aggregate classification (germline): Uncertain significance. Review status: criteria provided, multiple submitters, no conflicts (2 of 4 stars). 2 submissions from 2 submitters: Uncertain significance (2). Last evaluated 2025-12-20.

Conditions:
Inborn genetic diseases. Identifiers: MedGen C0950123, MeSH D030342.
Brachyolmia-amelogenesis imperfecta syndrome. Also called: Tooth agenesis, selective, 6; Dental anomalies and short stature; PLATYSPONDYLY WITH AMELOGENESIS IMPERFECTA. Identifiers: Orphanet 2899, MedGen C1832594, MONDO:0011018, OMIM 601216. Disease mechanism: loss of function.

Allele frequency attached by ClinVar (database versions not stated): gnomAD exomes 0.00003; gnomAD 0.00004; ExAC 0.00006.
gnomAD v4.1: 146 of 1,591,362 alleles (0.0092%); highest among the groups gnomAD compares: Non-Finnish European, 0.012%; no homozygotes.

Submissions (2):

Labcorp Genetics (formerly Invitae), Labcorp
Classification: Uncertain significance for Brachyolmia-amelogenesis imperfecta syndrome. Last evaluated: 2025-12-20. Review status: criteria provided, single submitter. Criteria: Invitae Variant Classification Sherloc (09022015). Collection method: clinical testing. Allele origin: germline.
Comment: This sequence change replaces asparagine, which is neutral and polar, with lysine, which is basic and polar, at codon 1045 of the LTBP3 protein (p.Asn1045Lys). This variant is present in population databases (rs764995512, gnomAD 0.01%). This variant has not been reported in the literature in individuals affected with LTBP3-related conditions. ClinVar contains an entry for this variant (Variation ID: 1356190). An algorithm developed to predict the effect of missense changes on protein structure and function outputs the following: PolyPhen-2: "Benign". The lysine amino acid residue is found in multiple mammalian species, which suggests that this missense change does not adversely affect protein function. In summary, the available evidence is currently insufficient to determine the role of this variant in disease. Therefore, it has been classified as a Variant of Uncertain Significance.

Ambry Genetics
Classification: Uncertain significance for Inborn genetic diseases. Last evaluated: 2025-04-04. Review status: criteria provided, single submitter. Criteria: Ambry Variant Classification Scheme 2023. Collection method: clinical testing. Allele origin: germline.